The following is an entry in ClinVar:

NM_014249.4(NR2E3):c.1041C>G (p.Asp347Glu)

Gene: NR2E3 (nuclear receptor subfamily 2 group E member 3; plus strand). Cytogenetic location: 15q23.
Variant type: single nucleotide variant.
Coding change: c.1041C>G on transcript NM_014249.4 (MANE Select); coding-DNA position 1041, C replaced by G.
Protein change: p.Asp347Glu; replaces aspartic acid 347 with glutamic acid.
Molecular consequence: missense variant.
Genome position (GRCh38, 1-based): chr15:71,814,058, C>G. VCF-style: chr15-71814058-C-G. GRCh37 (hg19) VCF-style: chr15-72106399-C-G.
Other names: c.1041C>G, p.Asp347Glu (NM_016346.4); short protein forms D347E.
Identifiers: ClinVar variation 2087122 (VCV002087122.4), dbSNP rs2543257252, ClinGen allele CA393039299.

ClinVar aggregate classification (germline): Uncertain significance (1 of 4 stars; one submission).

Submission:

Labcorp Genetics (formerly Invitae), Labcorp
Classification: Uncertain significance. Last evaluated: 2023-12-14. Review status: criteria provided, single submitter. Criteria: Invitae Variant Classification Sherloc (09022015). Collection method: clinical testing. Allele origin: germline.
Comment: This sequence change replaces aspartic acid, which is acidic and polar, with glutamic acid, which is acidic and polar, at codon 347 of the NR2E3 protein (p.Asp347Glu). This variant is not present in population databases (gnomAD no frequency). This variant has not been reported in the literature in individuals affected with NR2E3-related conditions. ClinVar contains an entry for this variant (Variation ID: 2087122). Advanced modeling of protein sequence and biophysical properties (such as structural, functional, and spatial information, amino acid conservation, physicochemical variation, residue mobility, and thermodynamic stability) performed at Invitae indicates that this missense variant is not expected to disrupt NR2E3 protein function with a negative predictive value of 80%. In summary, the available evidence is currently insufficient to determine the role of this variant in disease. Therefore, it has been classified as a Variant of Uncertain Significance.